The following is an entry in ClinVar:

NM_006904.7(PRKDC):c.8061G>T (p.Arg2687Ser)

Gene: PRKDC (protein kinase, DNA-activated, catalytic subunit; minus strand). Cytogenetic location: 8q11.21.
Variant type: single nucleotide variant.
Coding change: c.8061G>T on transcript NM_006904.7 (MANE Select); coding-DNA position 8061, G replaced by T.
Protein change: p.Arg2687Ser; replaces arginine 2687 with serine.
Molecular consequence: missense variant.
Genome position (GRCh38, 1-based): chr8:47,834,287, C>A on the plus strand (G>T on the coding strand, the complement: PRKDC is on the minus strand). VCF-style: chr8-47834287-C-A. GRCh37 (hg19) VCF-style: chr8-48746848-C-A.
Other names: c.8061G>T, p.Arg2687Ser (NM_001081640.2); short protein forms R2687S.
Identifiers: ClinVar variation 579016 (VCV000579016.6), dbSNP rs1563758449, ClinGen allele CA371149565.

ClinVar aggregate classification (germline): Uncertain significance (1 of 4 stars; one submission).

Conditions:
Severe combined immunodeficiency due to DNA-PKcs deficiency. Also called: IMMUNODEFICIENCY 26 WITH NEUROLOGIC ABNORMALITIES; Immunodeficiency 26 with or without neurologic abnormalities. Identifiers: Orphanet 317425, MedGen C4014833, MONDO:0014423, OMIM 615966.

Submission:

Labcorp Genetics (formerly Invitae), Labcorp
Classification: Uncertain significance for Severe combined immunodeficiency due to DNA-PKcs deficiency. Last evaluated: 2019-03-12. Review status: criteria provided, single submitter. Criteria: Invitae Variant Classification Sherloc (09022015). Collection method: clinical testing. Allele origin: germline.
Comment: In summary, the available evidence is currently insufficient to determine the role of this variant in disease. Therefore, it has been classified as a Variant of Uncertain Significance. Algorithms developed to predict the effect of missense changes on protein structure and function (SIFT, PolyPhen-2, Align-GVGD) all suggest that this variant is likely to be tolerated, but these predictions have not been confirmed by published functional studies and their clinical significance is uncertain. This variant has not been reported in the literature in individuals with PRKDC-related disease. This variant is not present in population databases (ExAC no frequency). This sequence change replaces arginine with serine at codon 2687 of the PRKDC protein (p.Arg2687Ser). The arginine residue is weakly conserved and there is a moderate physicochemical difference between arginine and serine.